The following is an entry in ClinVar:

NM_001369.3(DNAH5):c.1114A>G (p.Thr372Ala)

Gene: DNAH5 (dynein axonemal heavy chain 5; minus strand). Cytogenetic location: 5p15.2.
Variant type: single nucleotide variant.
Coding change: c.1114A>G on transcript NM_001369.3 (MANE Select); coding-DNA position 1114, A replaced by G.
Protein change: p.Thr372Ala; replaces threonine 372 with alanine.
Molecular consequence: missense variant.
Genome position (GRCh38, 1-based): chr5:13,916,431, T>C on the plus strand (A>G on the coding strand, the complement: DNAH5 is on the minus strand). VCF-style: chr5-13916431-T-C. GRCh37 (hg19) VCF-style: chr5-13916540-T-C.
Other names: p.Thr372Ala; short protein forms T372A.
Identifiers: ClinVar variation 1185039 (VCV001185039.15), dbSNP rs140227610, ClinGen allele CA3204949.

ClinVar aggregate classification (germline): Conflicting classifications of pathogenicity. Review status: criteria provided, conflicting classifications (1 of 4 stars). 7 submissions from 7 submitters: Uncertain significance (4); Likely benign (2). 1 of the submissions does not count toward it. Last evaluated 2025-12-03.

Conditions:
Primary ciliary dyskinesia 3. Identifiers: Orphanet 244, MedGen C1837618, MONDO:0012085, OMIM 608644.
Primary ciliary dyskinesia. Also called: Ciliary dyskinesia. Identifiers: Orphanet 244, MedGen C0008780, MONDO:0016575, HP:0012265.
DNAH5-related disorder. Also called: DNAH5-related condition.

Allele frequency attached by ClinVar (database versions not stated): gnomAD exomes 0.00013; ExAC 0.00014; gnomAD 0.00042; 1000 Genomes Project 0.00060; 1000 Genomes Project 30x 0.00062; TOPMed 0.00065; ESP Exome Variant Server 0.00069.
gnomAD v4.1: 127 of 1,559,246 alleles (0.0081%); highest among the groups gnomAD compares: African/African-American, 0.14%; 2 homozygotes.

Submissions (7):

Labcorp Genetics (formerly Invitae), Labcorp
Classification: Likely benign for Primary ciliary dyskinesia. Last evaluated: 2025-12-03. Review status: criteria provided, single submitter. Criteria: Invitae Variant Classification Sherloc (09022015). Collection method: clinical testing. Allele origin: germline.

Mayo Clinic Laboratories, Mayo Clinic
Classification: Uncertain significance. Last evaluated: 2024-08-07. Review status: criteria provided, single submitter. Criteria: ACMG Guidelines, 2015. Collection method: clinical testing. Allele origin: germline. Observed: 1 variant allele.
Comment: BP4

GeneDx
Classification: Uncertain significance. Last evaluated: 2023-12-27. Review status: criteria provided, single submitter. Criteria: GeneDx Variant Classification Process June 2021. Collection method: clinical testing. Allele origin: germline. Affected: yes.
Comment: In silico analysis supports that this missense variant does not alter protein structure/function; Has not been previously published as pathogenic or benign to our knowledge

Ambry Genetics
Classification: Likely benign for Primary ciliary dyskinesia. Last evaluated: 2022-05-31. Review status: criteria provided, single submitter. Criteria: Ambry Variant Classification Scheme 2023. Collection method: clinical testing. Allele origin: germline.

UNC Molecular Genetics  Laboratory, University of North Carolina at Chapel Hill
Classification: Uncertain significance for Primary ciliary dyskinesia. Last evaluated: 2022-03-15. Review status: criteria provided, single submitter. Criteria: ACMG Guidelines, 2015. Collection method: clinical testing. Allele origin: germline. Observed: 1 heterozygote.

Johns Hopkins Genomics, Johns Hopkins University
Classification: Uncertain significance for Primary ciliary dyskinesia 3. Last evaluated: 2021-06-09. Review status: criteria provided, single submitter. Criteria: ACMG Guidelines, 2015. Collection method: clinical testing. Allele origin: germline.
Comment: DNAH5 c.1114A>G (rs140227610) has been identified in a large population dataset and the minor allele frequency is neither low enough to consider the variant rare (<0.1%) nor high enough to consider it a population polymorphism (>1%) within the African/African-American subpopulation (gnomAD: 34/24834 alleles; 0.14%, no homozygotes). This variant has not been reported in ClinVar nor the literature to our knowledge. Three bioinformatic tools queried predict that this substitution would be tolerated and the threonine residue at this position is evolutionarily conserved across most mammalian species assessed. We consider the clinical significance of c.1114A>G to be uncertain at this time.

PreventionGenetics, part of Exact Sciences
Classification: Uncertain significance for DNAH5-related condition. Last evaluated: 2024-07-22. Review status: no assertion criteria provided. Collection method: clinical testing. Allele origin: germline. Not counted in ClinVar's aggregate classification.
Comment: The DNAH5 c.1114A>G variant is predicted to result in the amino acid substitution p.Thr372Ala. To our knowledge, this variant has not been reported in the literature. This variant is reported in 0.14% of alleles in individuals of African descent in gnomAD. Although we suspect that this variant may be benign, at this time, the clinical significance of this variant is uncertain due to the absence of conclusive functional and genetic evidence.